The following is an entry in ClinVar:

NM_017831.4(RNF125):c.584_588del (p.Ser195fs)

Gene: RNF125 (ring finger protein 125; plus strand). Cytogenetic location: 18q12.1.
Variant type: Deletion.
Coding change: c.584_588del on transcript NM_017831.4 (MANE Select); coding-DNA positions 584 to 588, 5 bases deleted (GTCAC; older notation c.584_588delGTCAC).
Protein change: p.Ser195fs; shifts the reading frame from serine 195.
Molecular consequence: frameshift variant.
Genome position (GRCh38, 1-based): chr18:32,065,981-32,065,985, GTCAC deleted. VCF-style (leftmost placement, unchanged base first): chr18-32065980-AGTCAC-A. GRCh37 (hg19) VCF-style: chr18-29645943-AGTCAC-A.
Other names: short protein forms S195fs.
Identifiers: ClinVar variation 3061485 (VCV003061485.2), dbSNP rs779140390, ClinGen allele CA8930543.

ClinVar aggregate classification (germline): Uncertain significance (0 of 4 stars; one submission).

Conditions:
RNF125-related disorder. Also called: RNF125-related condition.

Allele frequency attached by ClinVar (database versions not stated): ExAC 0.00001; gnomAD exomes 0.00002; gnomAD 0.00001; TOPMed 0.00001.

Submission:

PreventionGenetics, part of Exact Sciences
Classification: Uncertain significance for RNF125-related condition. Last evaluated: 2024-02-20. Review status: no assertion criteria provided. Collection method: clinical testing. Allele origin: germline.
Comment: The RNF125 c.584_588del5 variant is predicted to result in a frameshift and premature protein termination (p.Ser195Asnfs*5). To our knowledge, this variant has not been reported in the literature. This variant is reported in 0.0040% of alleles in individuals of African descent in gnomAD. At this time, the clinical significance of this variant is uncertain due to the absence of conclusive functional and genetic evidence.